The following is an entry in ClinVar:

ClinVar aggregate classification (germline): Uncertain significance. Review status: criteria provided, multiple submitters, no conflicts (2 of 4 stars). 2 submissions from 2 submitters: Uncertain significance (2). Last evaluated 2025-09-24.

Conditions:
Inborn genetic diseases. Identifiers: MedGen C0950123, MeSH D030342.
Familial cold autoinflammatory syndrome 2 (FCAS2). Identifiers: Orphanet 247868, MedGen C2673198, MONDO:0012724, OMIM 611762.

gnomAD v4.1: 1 of 1,614,036 alleles (0.000062%); highest among the groups gnomAD compares: Admixed American, 0.0017%; no homozygotes.

Submissions (2):

Labcorp Genetics (formerly Invitae), Labcorp
Classification: Uncertain significance for Familial cold autoinflammatory syndrome 2. Last evaluated: 2025-09-24. Review status: criteria provided, single submitter. Criteria: Invitae Variant Classification Sherloc (09022015). Collection method: clinical testing. Allele origin: germline.
Comment: This sequence change replaces isoleucine, which is neutral and non-polar, with serine, which is neutral and polar, at codon 922 of the NLRP12 protein (p.Ile922Ser). This variant is not present in population databases (gnomAD no frequency). This variant has not been reported in the literature in individuals affected with NLRP12-related conditions. ClinVar contains an entry for this variant (Variation ID: 1057815). Invitae Evidence Modeling of protein sequence and biophysical properties (such as structural, functional, and spatial information, amino acid conservation, physicochemical variation, residue mobility, and thermodynamic stability) indicates that this missense variant is not expected to disrupt NLRP12 protein function with a negative predictive value of 80%. In summary, the available evidence is currently insufficient to determine the role of this variant in disease. Therefore, it has been classified as a Variant of Uncertain Significance.

Ambry Genetics
Classification: Uncertain significance for Inborn genetic diseases. Last evaluated: 2025-04-02. Review status: criteria provided, single submitter. Criteria: Ambry Variant Classification Scheme 2023. Collection method: clinical testing. Allele origin: germline.

NM_144687.4(NLRP12):c.2765T>G (p.Ile922Ser)

Gene: NLRP12 (NLR family pyrin domain containing 12; minus strand). Cytogenetic location: 19q13.42.
Variant type: single nucleotide variant.
Coding change: c.2765T>G on transcript NM_144687.4 (MANE Select); coding-DNA position 2765, T replaced by G.
Protein change: p.Ile922Ser; replaces isoleucine 922 with serine.
Molecular consequence: missense variant. On other transcripts: intron variant (1).
Genome position (GRCh38, 1-based): chr19:53,798,405, A>C on the plus strand (T>G on the coding strand, the complement: NLRP12 is on the minus strand). VCF-style: chr19-53798405-A-C. GRCh37 (hg19) VCF-style: chr19-54301659-A-C.
Other names: c.2765T>G (NM_144687.2); c.2768T>G, p.Ile923Ser (NM_001277126.2); c.2757-2376T>G (NM_001277129.1); short protein forms I922S, I923S.
Identifiers: ClinVar variation 1057815 (VCV001057815.8), dbSNP rs767041308, ClinGen allele CA310059846.